The following is an entry in ClinVar:

NM_001375380.1(EBF3):c.163G>T (p.Glu55Ter)

Gene: EBF3 (EBF transcription factor 3; minus strand). Cytogenetic location: 10q26.3.
Variant type: single nucleotide variant.
Coding change: c.163G>T on transcript NM_001375380.1 (MANE Select); coding-DNA position 163, G replaced by T.
Protein change: p.Glu55Ter; replaces glutamic acid 55 with a stop codon.
Molecular consequence: nonsense.
Genome position (GRCh38, 1-based): chr10:129,963,495, C>A on the plus strand (G>T on the coding strand, the complement: EBF3 is on the minus strand). VCF-style: chr10-129963495-C-A. GRCh37 (hg19) VCF-style: chr10-131761759-C-A.
Other names: c.163G>T, p.Glu55Ter (NM_001005463.3, NM_001375379.1, NM_001375389.1 and 3 more transcripts); short protein forms E55*.
Identifiers: ClinVar variation 692039 (VCV000692039.1), dbSNP rs1589974634, ClinGen allele CA378911385.

ClinVar aggregate classification (germline): Pathogenic (1 of 4 stars; one submission).

Conditions:
Hypotonia, ataxia, and delayed development syndrome (HADDS). Also called: EBF3 Neurodevelopmental Disorder. Identifiers: Orphanet 658843, MedGen C4310618, MONDO:0015021, OMIM 617330.

Submission:

Rady Children's Institute for Genomic Medicine, Rady Children's Hospital San Diego
Classification: Pathogenic for HYPOTONIA, ATAXIA, AND DELAYED DEVELOPMENT SYNDROME. Last evaluated: 2018-07-06. Review status: criteria provided, single submitter. Criteria: ACMG Guidelines, 2015. Collection method: clinical testing. Allele origin: germline. Affected: yes. Observed: 1 variant allele.
Comment: This nonsense variant found in exon 2 of 16 is predicted to result in loss of normal protein function. This variant has not been previously reported or functionally characterized in the literature to our knowledge. Null variants have been established as a mechanism for disease in this gene (PMID: 29162653, 28017373, 28017372). It is absent from the ExAC and gnomAD population databases and thus is presumed to be rare. The c.163G>T, p.Glu55Ter variant is predicted by multiple in silico tools to have a deleterious effect on protein function. Analysis of the parental samples was negative for the variant, indicating this variant likely occurred as a de novo event. Based on the available evidence, the c.163G>T, p.Glu55Ter variant is classified as Pathogenic.